The following is an entry in ClinVar:

ClinVar aggregate classification (germline): Conflicting classifications of pathogenicity. Review status: criteria provided, conflicting classifications (1 of 4 stars). 2 submissions from 2 submitters: Uncertain significance (1); Likely benign (1). Last evaluated 2025-07-10.

Allele frequency attached by ClinVar (database versions not stated): TOPMed below 0.00001; gnomAD exomes 0.00001 and 0.00002; gnomAD 0.00003; ExAC 0.00004.
gnomAD v4.1: 12 of 1,613,808 alleles (0.00074%); highest among the groups gnomAD compares: East Asian, 0.011%; no homozygotes.

Submissions (2):

Labcorp Genetics (formerly Invitae), Labcorp
Classification: Likely benign. Last evaluated: 2025-07-10. Review status: criteria provided, single submitter. Criteria: Invitae Variant Classification Sherloc (09022015). Collection method: clinical testing. Allele origin: germline.

Laboratory for Molecular Medicine, Mass General Brigham Personalized Medicine
Classification: Uncertain significance. Last evaluated: 2016-05-27. Review status: criteria provided, single submitter. Criteria: LMM Criteria. Collection method: clinical testing. Allele origin: germline. Observed: 1 variant allele.
Comment: The p.Glu1396Lys variant in OTOF has not been previously reported in individuals with hearing loss, but was identified in 4/8634 of East Asian chromosomes by th e Exome Aggregation Consortium (ExAC; dbSNP rs74 5399096). Although this variant has been seen in the general population, its f requency is not high enough to rule out a pathogenic role. Computational predic tion tools and conservation analyses do not provide strong support for or agains t an impact to the protein. In summary, the clinical significance of the p.Glu13 96Lys variant is uncertain.

NM_194248.3(OTOF):c.4186G>A (p.Glu1396Lys)

Gene: OTOF (otoferlin; minus strand). Cytogenetic location: 2p23.3.
Variant type: single nucleotide variant.
Coding change: c.4186G>A on transcript NM_194248.3 (MANE Select); coding-DNA position 4186, G replaced by A.
Protein change: p.Glu1396Lys; replaces glutamic acid 1396 with lysine.
Molecular consequence: missense variant.
Genome position (GRCh38, 1-based): chr2:26,467,406, C>T on the plus strand (G>A on the coding strand, the complement: OTOF is on the minus strand). VCF-style: chr2-26467406-C-T. GRCh37 (hg19) VCF-style: chr2-26690274-C-T.
Other names: c.4186G>A, p.Glu1396Lys (NM_001287489.2); c.1885G>A, p.Glu629Lys (NM_004802.4, NM_194323.3); c.2116G>A, p.Glu706Lys (NM_194322.3); short protein forms E1396K, E706K, E629K.
Identifiers: ClinVar variation 505065 (VCV000505065.8), dbSNP rs745399096, ClinGen allele CA1563263.